The following is an entry in ClinVar:

NM_201596.3(CACNB2):c.1526C>T (p.Pro509Leu)

Gene: CACNB2 (calcium voltage-gated channel auxiliary subunit beta 2; plus strand). Cytogenetic location: 10p12.31.
Variant type: single nucleotide variant.
Coding change: c.1526C>T on transcript NM_201596.3 (MANE Select); coding-DNA position 1526, C replaced by T.
Protein change: p.Pro509Leu; replaces proline 509 with leucine.
Molecular consequence: missense variant.
Genome position (GRCh38, 1-based): chr10:18,539,267, C>T. VCF-style: chr10-18539267-C-T. GRCh37 (hg19) VCF-style: chr10-18828196-C-T.
Other names: c.1361C>T, p.Pro454Leu (NM_000724.4); c.1328C>T, p.Pro443Leu (NM_001167945.2); c.1247C>T, p.Pro416Leu (NM_001330060.2); c.1268C>T, p.Pro423Leu (NM_001410882.1); c.1382C>T, p.Pro461Leu (NM_201570.3); c.1442C>T, p.Pro481Leu (NM_201571.4); c.1370C>T, p.Pro457Leu (NM_201572.4); c.1364C>T, p.Pro455Leu (NM_201590.3); and 2 more; short protein forms P471L, P457L, P443L, P481L, P485L, P416L, P423L, P454L.
Identifiers: ClinVar variation 2562815 (VCV002562815.2), dbSNP rs2494907173, ClinGen allele CA376071195.

ClinVar aggregate classification (germline): Uncertain significance (1 of 4 stars; one submission).

Conditions:
Cardiovascular phenotype. Identifiers: MedGen CN230736.

Submission:

Ambry Genetics
Classification: Uncertain significance for Cardiovascular phenotype. Last evaluated: 2023-03-16. Review status: criteria provided, single submitter. Criteria: Ambry Variant Classification Scheme 2023. Collection method: clinical testing. Allele origin: germline.
Comment: The p.P455L variant (also known as c.1364C>T), located in coding exon 13 of the CACNB2 gene, results from a C to T substitution at nucleotide position 1364. The proline at codon 455 is replaced by leucine, an amino acid with similar properties. This amino acid position is conserved. In addition, this alteration is predicted to be tolerated by in silico analysis. Since supporting evidence is limited at this time, the clinical significance of this alteration remains unclear.